The following is an entry in ClinVar:

NM_000834.5(GRIN2B):c.2638C>A (p.Arg880Ser)

Gene: GRIN2B (glutamate ionotropic receptor NMDA type subunit 2B; minus strand). Cytogenetic location: 12p13.1.
Variant type: single nucleotide variant.
Coding change: c.2638C>A on transcript NM_000834.5 (MANE Select); coding-DNA position 2638, C replaced by A.
Protein change: p.Arg880Ser; replaces arginine 880 with serine.
Molecular consequence: missense variant.
Genome position (GRCh38, 1-based): chr12:13,564,600, G>T on the plus strand (C>A on the coding strand, the complement: GRIN2B is on the minus strand). VCF-style: chr12-13564600-G-T. GRCh37 (hg19) VCF-style: chr12-13717534-G-T.
Other names: short protein forms R880S.
Identifiers: ClinVar variation 1402947 (VCV001402947.6), dbSNP rs1180122833, ClinGen allele CA383994592.
Genomic context (GRCh38, chr12:13,564,600, plus strand): 5'-GCAGGATGTTGGAGTGTGTGTTGTTCATGGTTGCGGTGGGGGAGTTCATTACAGACTGGC[G>T]CTCCTCGATCGCCACCCCATGGATGCAGCTGTAGATACCCTGAAGCAAGAATGGAGGGAC-3'
Protein context (NP_000825.2, residues 870-890): SCIHGVAIEE[Arg880Ser]QSVMNSPTAT

ClinVar aggregate classification (germline): Uncertain significance (1 of 4 stars; one submission).

Conditions:
Intellectual developmental disorder, autosomal dominant 6, with or without seizures. Also called: GRIN2B-related developmental delay, intellectual disability and autism spectrum disorder; Intellectual disability, autosomal dominant 6. Identifiers: Orphanet 589547, MedGen C3151411, MONDO:0013509, OMIM 613970.
Developmental and epileptic encephalopathy, 27 (DEE27). Also called: GRIN2B-Related Neurodevelopmental Disorder; Epileptic encephalopathy, early infantile, 27. Identifiers: Orphanet 3451, MedGen C4015316, MONDO:0014505, OMIM 616139.

gnomAD v4.1: 2 of 1,613,890 alleles (0.00012%); highest among the groups gnomAD compares: Non-Finnish European, 0.00017%; no homozygotes.

Submission:

Labcorp Genetics (formerly Invitae), Labcorp
Classification: Uncertain significance for Developmental and epileptic encephalopathy, 27; Intellectual developmental disorder, autosomal dominant 6, with or without seizures. Last evaluated: 2021-09-17. Review status: criteria provided, single submitter. Criteria: Invitae Variant Classification Sherloc (09022015). Collection method: clinical testing. Allele origin: germline.
Comment: In summary, the available evidence is currently insufficient to determine the role of this variant in disease. Therefore, it has been classified as a Variant of Uncertain Significance. Advanced modeling of protein sequence and biophysical properties (such as structural, functional, and spatial information, amino acid conservation, physicochemical variation, residue mobility, and thermodynamic stability) performed at Invitae indicates that this missense variant is not expected to disrupt GRIN2B protein function. This variant has not been reported in the literature in individuals affected with GRIN2B-related conditions. This variant is not present in population databases (ExAC no frequency). This sequence change replaces arginine with serine at codon 880 of the GRIN2B protein (p.Arg880Ser). The arginine residue is moderately conserved and there is a moderate physicochemical difference between arginine and serine.